The following is an entry in ClinVar:

NM_017514.5(PLXNA3):c.1225G>A (p.Asp409Asn)

Gene: PLXNA3 (plexin A3; plus strand). Cytogenetic location: Xq28.
Variant type: single nucleotide variant.
Coding change: c.1225G>A on transcript NM_017514.5 (MANE Select); coding-DNA position 1225, G replaced by A.
Protein change: p.Asp409Asn; replaces aspartic acid 409 with asparagine.
Molecular consequence: missense variant.
Genome position (GRCh38, 1-based): chrX:154,462,218, G>A. VCF-style: chrX-154462218-G-A. GRCh37 (hg19) VCF-style: chrX-153690558-G-A.
Other names: short protein forms D409N.
Identifiers: ClinVar variation 2373238 (VCV002373238.7), dbSNP rs143491103, ClinGen allele CA10563957.
Genomic context (GRCh38, chrX:154,462,218, plus strand): 5'-CTGGTGTTGAACCAGCCTCTGGGAGGCCTGCATGTGATCGAGGGGCTGCCCCTGCTGGCC[G>A]ACAGCACCGACGGCATGGCCAGCGTGGCCGCCTACACCTACCGCCAGCACTCTGTGGTCT-3'
Protein context (NP_059984.3, residues 399-419): HVIEGLPLLA[Asp409Asn]STDGMASVAA

ClinVar aggregate classification (germline): Conflicting classifications of pathogenicity. Review status: criteria provided, conflicting classifications (1 of 4 stars). 2 submissions from 2 submitters: Uncertain significance (1); Likely benign (1). Last evaluated 2025-11-14.

Conditions:
PLXNA3-related disorder. Also called: PLXNA3-related condition.

Allele frequency attached by ClinVar (database versions not stated): ESP Exome Variant Server 0.00028; gnomAD exomes 0.00004; gnomAD 0.00005; TOPMed 0.00009.
gnomAD v4.1: 53 of 1,202,176 alleles (0.0044%); highest among the groups gnomAD compares: Admixed American, 0.013%; no homozygotes.

Submissions (2):

PreventionGenetics, part of Exact Sciences
Classification: Likely benign for PLXNA3-related condition. Last evaluated: 2025-11-14. Review status: criteria provided, single submitter. Criteria: ACMG Guidelines, 2015. Collection method: clinical testing. Allele origin: germline.
Comment: This variant is classified as likely benign based on ACMG/AMP sequence variant interpretation guidelines (Richards et al. 2015 PMID: 25741868, with internal and published modifications).

Ambry Genetics
Classification: Uncertain significance. Last evaluated: 2024-10-29. Review status: criteria provided, single submitter. Criteria: Ambry Variant Classification Scheme 2023. Collection method: clinical testing. Allele origin: germline.